The following is an entry in ClinVar:

NM_176787.5(PIGN):c.550-10T>A

Gene: PIGN (phosphatidylinositol glycan anchor biosynthesis class N; minus strand). Cytogenetic location: 18q21.33.
Variant type: single nucleotide variant.
Coding change: c.550-10T>A on transcript NM_176787.5 (MANE Select); 10 bases into the intron before coding-DNA position 550, T replaced by A.
Molecular consequence: intron variant.
Genome position (GRCh38, 1-based): chr18:62,148,348, A>T on the plus strand (T>A on the coding strand, the complement: PIGN is on the minus strand). VCF-style: chr18-62148348-A-T. GRCh37 (hg19) VCF-style: chr18-59815581-A-T.
Other names: c.550-10T>A (NM_012327.6).
Identifiers: ClinVar variation 1942100 (VCV001942100.5), dbSNP rs2513986827, ClinGen allele CA2580095992.

ClinVar aggregate classification (germline): Uncertain significance (1 of 4 stars; one submission).

Conditions:
Multiple congenital anomalies-hypotonia-seizures syndrome 1 (MCAHS1). Also called: PIGN-CDG; Congenital disorder of glycosylation due to PIGN deficiency; GLYCOSYLPHOSPHATIDYLINOSITOL BIOSYNTHESIS DEFECT 3. Identifiers: Orphanet 280633, MedGen C3279775, MONDO:0013563, OMIM 614080.

Submission:

Labcorp Genetics (formerly Invitae), Labcorp
Classification: Uncertain significance for Multiple congenital anomalies-hypotonia-seizures syndrome 1. Last evaluated: 2022-02-10. Review status: criteria provided, single submitter. Criteria: Invitae Variant Classification Sherloc (09022015). Collection method: clinical testing. Allele origin: germline.
Comment: Algorithms developed to predict the effect of sequence changes on RNA splicing suggest that this variant may disrupt the consensus splice site. In summary, the available evidence is currently insufficient to determine the role of this variant in disease. Therefore, it has been classified as a Variant of Uncertain Significance. This variant is not present in population databases (gnomAD no frequency). This variant has not been reported in the literature in individuals affected with PIGN-related conditions. This sequence change falls in intron 7 of the PIGN gene. It does not directly change the encoded amino acid sequence of the PIGN protein.